The following is an entry in ClinVar:

ClinVar aggregate classification (germline): Uncertain significance. Review status: criteria provided, multiple submitters, no conflicts (2 of 4 stars). 3 submissions from 3 submitters: Uncertain significance (2). 1 of the submissions does not count toward it. Last evaluated 2022-09-05.

Conditions:
CFTR-related disorder (CFTR-RD). Also called: CFTR-related disorders; CFTR-related condition. Identifiers: MedGen C5924204, MONDO:7770004.
Cystic fibrosis (CF). Also called: MUCOVISCIDOSIS. Identifiers: Orphanet 586, MedGen C0010674, MONDO:0009061, OMIM 219700. Disease mechanism: loss of function.

Allele frequency attached by ClinVar (database versions not stated): gnomAD exomes below 0.00001.
gnomAD v4.1: 2 of 1,613,938 alleles (0.00012%); highest among the groups gnomAD compares: Middle Eastern, 0.017%; no homozygotes.

Submissions (3):

Institute of Human Genetics, University of Leipzig Medical Center
Classification: Uncertain significance for Cystic fibrosis. Last evaluated: 2022-09-05. Review status: criteria provided, single submitter. Criteria: ACMG Guidelines, 2015. Collection method: curation. Allele origin: unknown. Affected: yes. Observed: 1 variant allele.
Comment: The variant was classified in the context of a project re-classifying variants in the German Cystic Fibrosis Registry (Muko.e.V.). Criteria applied: PM2_SUP, PP4

Women's Health and Genetics/Laboratory Corporation of America, LabCorp
Classification: Uncertain significance. Last evaluated: 2020-11-19. Review status: criteria provided, single submitter. Criteria: LabCorp Variant Classification Summary - May 2015. Collection method: clinical testing. Allele origin: germline.
Comment: Variant summary: CFTR c.5A>C (p.Gln2Pro) results in a non-conservative amino acid change in the encoded protein sequence. Five of five in-silico tools predict a damaging effect of the variant on protein function. The variant was absent in 251152 control chromosomes (gnomAD). The available data on variant occurrences in the general population are insufficient to allow any conclusion about variant significance. c.5A>C has been reported in the literature in one individual affected with Cystic Fibrosis and one individual with inconclusive diagnosis (Dankert-Roelse_2018, Hanul_2018). These reports do not provide unequivocal conclusions about association of the variant with Chronic Pancreatitis Risk. At least one publication reports experimental evidence evaluating an impact on protein function, however, does not allow convincing conclusions about the variant effect (Vetter_2016). No clinical diagnostic laboratories have submitted clinical-significance assessments for this variant to ClinVar after 2014. Based on the evidence outlined above, the variant was classified as uncertain significance.

Natera, Inc.
Classification: Uncertain significance for CFTR-related disorders. Last evaluated: 2021-04-01. Review status: no assertion criteria provided. Collection method: clinical testing. Allele origin: germline. Not counted in ClinVar's aggregate classification.

Literature cited by the submitters: PubMed 30146269 (cited by Women's Health and Genetics/Laboratory Corporation of America, LabCorp); PubMed 30592194 (cited by Women's Health and Genetics/Laboratory Corporation of America, LabCorp); PubMed 27182737 (cited by Women's Health and Genetics/Laboratory Corporation of America, LabCorp).

NM_000492.4(CFTR):c.5A>C (p.Gln2Pro)

Gene: CFTR (CF transmembrane conductance regulator; plus strand). Cytogenetic location: 7q31.2.
Variant type: single nucleotide variant.
Coding change: c.5A>C on transcript NM_000492.4 (MANE Select); coding-DNA position 5, A replaced by C.
Protein change: p.Gln2Pro; replaces glutamine 2 with proline.
Molecular consequence: missense variant.
Genome position (GRCh38, 1-based): chr7:117,480,099, A>C. VCF-style: chr7-117480099-A-C. GRCh37 (hg19) VCF-style: chr7-117120153-A-C.
Other names: short protein forms Q2P.
Identifiers: ClinVar variation 987858 (VCV000987858.3), dbSNP rs1797976959, ClinGen allele CA368981135.
Genomic context (GRCh38, chr7:117,480,099, plus strand): 5'-GCATTAGGAGCTTGAGCCCAGACGGCCCTAGCAGGGACCCCAGCGCCCGAGAGACCATGC[A>C]GAGGTCGCCTCTGGAAAAGGCCAGCGTTGTCTCCAAACTTTTTTTCAGGTGAGAAGGTGG-3'
Protein context (NP_000483.3, residues 1-12): M[Gln2Pro]RSPLEKASVV